The following is an entry in ClinVar:

NM_003059.3(SLC22A4):c.696A>G (p.Thr232=)

Genes: MIR3936HG (MIR3936 host gene; minus strand), SLC22A4 (solute carrier family 22 member 4; plus strand). Cytogenetic location: 5q31.1.
Variant type: single nucleotide variant.
Coding change: c.696A>G on transcript NM_003059.3 (MANE Select); coding-DNA position 696, A replaced by G.
Protein change: p.Thr232=; no amino-acid change (threonine 232 retained).
Molecular consequence: synonymous variant.
Genome position (GRCh38, 1-based): chr5:132,322,227, A>G. VCF-style: chr5-132322227-A-G. GRCh37 (hg19) VCF-style: chr5-131657920-A-G.
Identifiers: ClinVar variation 4992446 (VCV004992446.1).

ClinVar aggregate classification (germline): Likely benign (1 of 4 stars; one submission).

Conditions:
SLC22A4-related disorder. Also called: SLC22A4-related condition.

gnomAD v4.1: 2 of 1,613,924 alleles (0.00012%); highest among the groups gnomAD compares: Admixed American, 0.0033%; no homozygotes.

Submission:

PreventionGenetics, part of Exact Sciences
Classification: Likely benign for SLC22A4-related condition. Last evaluated: 2025-08-25. Review status: criteria provided, single submitter. Criteria: ACMG Guidelines, 2015. Collection method: clinical testing. Allele origin: germline.
Comment: This variant is classified as likely benign based on ACMG/AMP sequence variant interpretation guidelines (Richards et al. 2015 PMID: 25741868, with internal and published modifications).